The following is an entry in ClinVar:

ClinVar aggregate classification (germline): Uncertain significance (1 of 4 stars; one submission).

Conditions:
Hereditary cancer-predisposing syndrome. Also called: Hereditary neoplastic syndrome; Neoplastic Syndromes, Hereditary; Tumor predisposition; Hereditary Cancer Syndrome. Identifiers: Orphanet 140162, MedGen C0027672, MeSH D009386, MONDO:0015356.

Submission:

Ambry Genetics
Classification: Uncertain significance for Hereditary cancer-predisposing syndrome. Last evaluated: 2025-08-27. Review status: criteria provided, single submitter. Criteria: Ambry Variant Classification Scheme 2023. Collection method: clinical testing. Allele origin: germline.
Comment: The p.A547P variant (also known as c.1639G>C), located in coding exon 16 of the MUTYH gene, results from a G to C substitution at nucleotide position 1639. The alanine at codon 547 is replaced by proline, an amino acid with highly similar properties. This amino acid position is conserved. In addition, this alteration is predicted to be tolerated by in silico analysis. Based on the available evidence, the clinical significance of this variant remains unclear.

NM_001048174.2(MUTYH):c.1555G>C (p.Ala519Pro)

Gene: MUTYH (mutY DNA glycosylase; minus strand). Cytogenetic location: 1p34.1.
Variant type: single nucleotide variant.
Coding change: c.1555G>C on transcript NM_001048174.2 (MANE Select); coding-DNA position 1555, G replaced by C.
Protein change: p.Ala519Pro; replaces alanine 519 with proline.
Molecular consequence: missense variant. On other transcripts: non-coding transcript variant (7).
Genome position (GRCh38, 1-based): chr1:45,329,317, C>G on the plus strand (G>C on the coding strand, the complement: MUTYH is on the minus strand). VCF-style: chr1-45329317-C-G. GRCh37 (hg19) VCF-style: chr1-45794989-C-G.
Other names: c.1513G>C, p.Ala505Pro (NM_001407080.1); c.1555G>C, p.Ala519Pro (NM_001407081.1, NM_001407088.1, NM_001048171.2 and 6 more transcripts); c.1210G>C, p.Ala404Pro (NM_001407082.1, NM_001350650.2, NM_001350651.2); c.1597G>C, p.Ala533Pro (NM_001407083.1, NM_001407085.1); c.1558G>C, p.Ala520Pro (NM_001407086.1, NM_001048172.2, NM_001407071.1 and 1 more transcripts); c.1576G>C, p.Ala526Pro (NM_001407087.1); c.1639G>C, p.Ala547Pro (NM_001128425.2); c.1600G>C, p.Ala534Pro (NM_001293190.2); and 5 more; short protein forms A404P, A526P, A533P, A427P, A506P, A505P, A519P, A520P.
Identifiers: ClinVar variation 4113482 (VCV004113482.1).